The following is an entry in ClinVar:

NM_001369.3(DNAH5):c.2743+3A>T

Genes: DNAH5 (dynein axonemal heavy chain 5; minus strand), DNAH5-AS1 (DNAH5 antisense RNA 1; plus strand). Cytogenetic location: 5p15.2.
Variant type: single nucleotide variant.
Coding change: c.2743+3A>T on transcript NM_001369.3 (MANE Select); 3 bases into the intron after coding-DNA position 2743, A replaced by T.
Molecular consequence: intron variant.
Genome position (GRCh38, 1-based): chr5:13,885,961, T>A on the plus strand (A>T on the coding strand, the complement: DNAH5 is on the minus strand). VCF-style: chr5-13885961-T-A. GRCh37 (hg19) VCF-style: chr5-13886070-T-A.
Other names: c.2743+3A>T (NM_001369.2).
Identifiers: ClinVar variation 1437317 (VCV001437317.8), dbSNP rs752170130, ClinGen allele CA3204511.

ClinVar aggregate classification (germline): Uncertain significance. Review status: criteria provided, multiple submitters, no conflicts (2 of 4 stars). 4 submissions from 4 submitters: Uncertain significance (3). 1 of the submissions does not count toward it. Last evaluated 2024-02-23.

Conditions:
DNAH5-related disorder. Also called: DNAH5-related condition.
Primary ciliary dyskinesia. Also called: Ciliary dyskinesia. Identifiers: Orphanet 244, MedGen C0008780, MONDO:0016575, HP:0012265.

Allele frequency attached by ClinVar (database versions not stated): ExAC 0.00001.
gnomAD v4.1: 7 of 1,612,242 alleles (0.00043%); highest among the groups gnomAD compares: Non-Finnish European, 0.00059%; no homozygotes.

Submissions (4):

Molecular Genetics McLendon Clinical Laboratories, University of North Carolina at Chapel Hill
Classification: Uncertain significance for Primary ciliary dyskinesia. Last evaluated: 2024-02-23. Review status: criteria provided, single submitter. Criteria: ACMG Guidelines, 2015. Collection method: clinical testing. Allele origin: germline.

GeneDx
Classification: Uncertain significance. Last evaluated: 2024-02-22. Review status: criteria provided, single submitter. Criteria: GeneDx Variant Classification Process June 2021. Collection method: clinical testing. Allele origin: germline. Affected: yes.
Comment: Not observed at significant frequency in large population cohorts (gnomAD); In silico analysis supports a deleterious effect on splicing; Has not been previously published as pathogenic or benign to our knowledge

Labcorp Genetics (formerly Invitae), Labcorp
Classification: Uncertain significance for Primary ciliary dyskinesia. Last evaluated: 2021-09-01. Review status: criteria provided, single submitter. Criteria: Invitae Variant Classification Sherloc (09022015). Collection method: clinical testing. Allele origin: germline.
Comment: This sequence change falls in intron 18 of the DNAH5 gene. It does not directly change the encoded amino acid sequence of the DNAH5 protein. It affects a nucleotide within the consensus splice site of the intron. This variant is present in population databases (rs752170130, ExAC 0.002%). This variant has been observed in individual(s) with clinical features of primary ciliary dyskinesia (Invitae). Variants that disrupt the consensus splice site are a relatively common cause of aberrant splicing (PMID: 17576681, 9536098). Algorithms developed to predict the effect of sequence changes on RNA splicing suggest that this variant may disrupt the consensus splice site. In summary, the available evidence is currently insufficient to determine the role of this variant in disease. Therefore, it has been classified as a Variant of Uncertain Significance.

PreventionGenetics, part of Exact Sciences
Classification: Uncertain significance for DNAH5-related condition. Last evaluated: 2024-09-05. Review status: no assertion criteria provided. Collection method: clinical testing. Allele origin: germline. Not counted in ClinVar's aggregate classification.
Comment: The DNAH5 c.2743+3A>T variant is predicted to interfere with splicing. To our knowledge, this variant has not been reported in the literature. This variant is reported in 0.00088% of alleles in individuals of European (Non-Finnish) descent in gnomAD. At this time, the clinical significance of this variant is uncertain due to the absence of conclusive functional and genetic evidence.

Literature cited by the submitters: PubMed 17576681 (cited by Labcorp Genetics (formerly Invitae), Labcorp); PubMed 9536098 (cited by Labcorp Genetics (formerly Invitae), Labcorp).